The following is an entry in ClinVar:

ClinVar aggregate classification (germline): Conflicting classifications of pathogenicity. Review status: criteria provided, conflicting classifications (1 of 4 stars). 3 submissions from 3 submitters: Uncertain significance (2); Likely benign (1). Last evaluated 2025-03-27.

Conditions:
Inborn genetic diseases. Identifiers: MedGen C0950123, MeSH D030342.
Cornelia de Lange syndrome 1 (CDLS1). Also called: NIPBL-Related Cornelia de Lange Syndrome; TYPUS DEGENERATIVUS AMSTELODAMENSIS; Brachmann de Lange syndrome. Identifiers: Orphanet 199, MedGen C4551851, MONDO:0007387, OMIM 122470.

gnomAD v4.1: 7 of 1,604,330 alleles (0.00044%); highest among the groups gnomAD compares: Non-Finnish European, 0.000085%; no homozygotes.

Submissions (3):

Labcorp Genetics (formerly Invitae), Labcorp
Classification: Uncertain significance for Cornelia de Lange syndrome 1. Last evaluated: 2025-03-27. Review status: criteria provided, single submitter. Criteria: Invitae Variant Classification Sherloc (09022015). Collection method: clinical testing. Allele origin: germline.
Comment: This sequence change replaces lysine, which is basic and polar, with glutamic acid, which is acidic and polar, at codon 289 of the NIPBL protein (p.Lys289Glu). This variant is present in population databases (no rsID available, gnomAD 0.02%). This variant has not been reported in the literature in individuals affected with NIPBL-related conditions. ClinVar contains an entry for this variant (Variation ID: 3405731). Invitae Evidence Modeling of protein sequence and biophysical properties (such as structural, functional, and spatial information, amino acid conservation, physicochemical variation, residue mobility, and thermodynamic stability) has been performed for this missense variant. However, the output from this modeling did not meet the statistical confidence thresholds required to predict the impact of this variant on NIPBL protein function. In summary, the available evidence is currently insufficient to determine the role of this variant in disease. Therefore, it has been classified as a Variant of Uncertain Significance.

Ambry Genetics
Classification: Likely benign for Inborn genetic diseases. Last evaluated: 2024-10-11. Review status: criteria provided, single submitter. Criteria: Ambry Variant Classification Scheme 2023. Collection method: clinical testing. Allele origin: germline.

Fulgent Genetics
Classification: Uncertain significance for Cornelia de Lange syndrome 1. Last evaluated: 2024-04-15. Review status: criteria provided, single submitter. Criteria: ACMG Guidelines, 2015. Collection method: clinical testing. Allele origin: germline.

NM_133433.4(NIPBL):c.865A>G (p.Lys289Glu)

Gene: NIPBL (NIPBL cohesin loading factor; plus strand). Cytogenetic location: 5p13.2.
Variant type: single nucleotide variant.
Coding change: c.865A>G on transcript NM_133433.4 (MANE Select); coding-DNA position 865, A replaced by G.
Protein change: p.Lys289Glu; replaces lysine 289 with glutamic acid.
Molecular consequence: missense variant.
Genome position (GRCh38, 1-based): chr5:36,972,038, A>G. VCF-style: chr5-36972038-A-G. GRCh37 (hg19) VCF-style: chr5-36972140-A-G.
Other names: c.865A>G, p.Lys289Glu (NM_015384.5); short protein forms K289E.
Identifiers: ClinVar variation 3405731 (VCV003405731.4).